The following is an entry in ClinVar:

ClinVar aggregate classification (germline): Pathogenic/Likely pathogenic. Review status: criteria provided, multiple submitters, no conflicts (2 of 4 stars). 2 submissions from 2 submitters: Pathogenic (1); Likely pathogenic (1). Last evaluated 2025-01-22.

Conditions:
GNAS-related disorder. Identifiers: MedGen CN380105.
Pseudohypoparathyroidism (PHP1A). Identifiers: Orphanet 79443, Orphanet 97593, MedGen C0033806, MONDO:0019992, HP:0000852.

Submissions (2):

PreventionGenetics, part of Exact Sciences
Classification: Pathogenic for GNAS-related condition. Last evaluated: 2025-01-22. Review status: criteria provided, single submitter. Criteria: ACMG Guidelines, 2015. Collection method: clinical testing. Allele origin: germline.
Comment: The GNAS c.212+3_212+6delAAGT variant is predicted to result in an intronic deletion. This variant is predicted to alter splicing based on available splicing prediction software (SpliceAI, Jaganathan et al. 2019. PubMed ID: 30661751). This variant has been reported in individuals with pseudohypoparathyroidism 1a (PHP1a) and progressive osseous heteroplasia (POH) (reported as c.IVS2 +3_+6delAAGT in De Sanctis et al. 2003. PubMed ID: 12621129; Chang et al. 2022. PubMed ID: 35296306; reported as c.212+3delAAGT in Huso et al. 2011. PubMed ID: 21747923; reported as c.212+3delAAGT in Long et al. 2006. PubMed ID: 17164301). RT-PCR of patient's cells has confirmed abnormal splicing (reported as c.IVS2 +3_+6delAAGT in De Sanctis et al. 2003. PubMed ID: 12621129). This variant has not been reported in a large population database (gnomAD), indicating this variant is rare. This variant is interpreted as pathogenic.

Johns Hopkins Genomics, Johns Hopkins University
Classification: Likely pathogenic for Pseudohypoparathyroidism type I A. Last evaluated: 2020-09-28. Review status: criteria provided, single submitter. Criteria: ACMG Guidelines, 2015. Collection method: clinical testing. Allele origin: germline.

Literature cited by the submitters: PubMed 12621129 (cited by Johns Hopkins Genomics, Johns Hopkins University); PubMed 17164301 (cited by Johns Hopkins Genomics, Johns Hopkins University); PubMed 21747923 (cited by Johns Hopkins Genomics, Johns Hopkins University).

NM_000516.7(GNAS):c.212+3_212+6del

Gene: GNAS (GNAS complex locus; plus strand). Cytogenetic location: 20q13.32.
Variant type: Deletion.
Coding change: c.212+3_212+6del on transcript NM_000516.7 (MANE Select); bases 3 to 6 of the intron after coding-DNA position 212, 4 bases deleted (AAGT; older notation c.212+3_212+6delAAGT).
Molecular consequence: splice donor variant.
Genome position (GRCh38, 1-based): chr20:58,895,687-58,895,690, AAGT deleted; deleting any 4 consecutive bases within chr20:58,895,684-58,895,690 gives the same sequence; the c. name uses the placement nearest the transcript's 3' end. VCF-style (leftmost placement, unchanged base first): chr20-58895683-GAGTA-G. GRCh37 (hg19) VCF-style: chr20-57470738-GAGTA-G.
Other names: c.*115+3_*115+6del (NM_016592.5); c.35+3_35+6del (NM_001309861.2, NM_001309840.2); c.*73+3_*73+6del (NM_001077490.3); c.2141+3_2141+6del (NM_080425.4); c.*231+3_*231+6del (NM_001309883.1); c.212+3_212+6del (NM_001077488.5, NM_080426.4, NM_001077489.4 and 1 more transcripts).
Identifiers: ClinVar variation 981517 (VCV000981517.2), dbSNP rs2089974938, ClinGen allele CA1139666753.